The following is an entry in ClinVar:

ClinVar aggregate classification (germline): Pathogenic. Review status: criteria provided, multiple submitters, no conflicts (2 of 4 stars). 3 submissions from 3 submitters: Pathogenic (3). Last evaluated 2024-05-07.

Conditions:
X-linked Alport syndrome (ATS1). Also called: COL4A5-Related Nephropathy; NEPHROPATHY AND DEAFNESS, X-LINKED. Identifiers: Orphanet 63, Orphanet 88917, MedGen C4746986, MONDO:0010520, OMIM 301050.

Submissions (3):

Fulgent Genetics
Classification: Pathogenic for X-linked Alport syndrome. Last evaluated: 2024-05-07. Review status: criteria provided, single submitter. Criteria: ACMG Guidelines, 2015. Collection method: clinical testing. Allele origin: germline.

GeneDx
Classification: Pathogenic. Last evaluated: 2024-01-17. Review status: criteria provided, single submitter. Criteria: GeneDx Variant Classification Process June 2021. Collection method: clinical testing. Allele origin: germline. Affected: yes.
Comment: Affects a glycine residue in a Gly-X-Y motif in the triple helical region of the COL4A5 gene, where the majority of pathogenic missense variants occur, and is predicted to disrupt normal protein folding and function (PMID: 10752524); Not observed at significant frequency in large population cohorts (gnomAD); In silico analysis supports that this missense variant has a deleterious effect on protein structure/function; This variant is associated with the following publications: (PMID: 25525159, 10752524, 10872188, 10094548)

Labcorp Genetics (formerly Invitae), Labcorp
Classification: Pathogenic. Last evaluated: 2023-03-08. Review status: criteria provided, single submitter. Criteria: Invitae Variant Classification Sherloc (09022015). Collection method: clinical testing. Allele origin: germline.
Comment: This variant disrupts the triple helix domain of COL4A5. Glycine residues within the Gly-Xaa-Yaa repeats of the triple helix domain are required for the structure and stability of fibrillar collagens (PMID: 7695699, 8218237, 19344236). In COL4A5, missense variants at these glycine residues are significantly enriched in individuals with disease (PMID: 23720012, 27627812) compared to the general population (ExAC). For these reasons, this variant has been classified as Pathogenic. Advanced modeling of protein sequence and biophysical properties (such as structural, functional, and spatial information, amino acid conservation, physicochemical variation, residue mobility, and thermodynamic stability) performed at Invitae indicates that this missense variant is expected to disrupt COL4A5 protein function. ClinVar contains an entry for this variant (Variation ID: 24408). This missense change has been observed in individuals with Alport syndrome (PMID: 94548, 10872188). This variant is not present in population databases (gnomAD no frequency). This sequence change replaces glycine, which is neutral and non-polar, with arginine, which is basic and polar, at codon 472 of the COL4A5 protein (p.Gly472Arg).

Literature cited by the submitters: PubMed 7695699 (cited by Labcorp Genetics (formerly Invitae), Labcorp); PubMed 8218237 (cited by Labcorp Genetics (formerly Invitae), Labcorp); PubMed 19344236 (cited by Labcorp Genetics (formerly Invitae), Labcorp); PubMed 23720012 (cited by Labcorp Genetics (formerly Invitae), Labcorp); PubMed 27627812 (cited by Labcorp Genetics (formerly Invitae), Labcorp); PubMed 94548 (cited by Labcorp Genetics (formerly Invitae), Labcorp); PubMed 10872188 (cited by Labcorp Genetics (formerly Invitae), Labcorp).

NM_033380.3(COL4A5):c.1414G>A (p.Gly472Arg)

Gene: COL4A5 (collagen type IV alpha 5 chain; plus strand). Cytogenetic location: Xq22.3.
Variant type: single nucleotide variant.
Coding change: c.1414G>A on transcript NM_033380.3 (MANE Select); coding-DNA position 1414, G replaced by A.
Protein change: p.Gly472Arg; replaces glycine 472 with arginine.
Molecular consequence: missense variant.
Genome position (GRCh38, 1-based): chrX:108,591,635, G>A. VCF-style: chrX-108591635-G-A. GRCh37 (hg19) VCF-style: chrX-107834865-G-A.
Other names: c.1414G>A, p.Gly472Arg (NM_000495.5); c.1414G>A (NM_033380.1); short protein forms G472R.
Identifiers: ClinVar variation 24408 (VCV000024408.12), dbSNP rs104886116, ClinGen allele CA258474.